The following is an entry in ClinVar:

ClinVar aggregate classification (germline): Uncertain significance (1 of 4 stars; one submission).

Conditions:
Hereditary cancer-predisposing syndrome. Also called: Neoplastic Syndromes, Hereditary; Tumor predisposition; Hereditary neoplastic syndrome; Hereditary Cancer Syndrome. Identifiers: Orphanet 140162, MedGen C0027672, MeSH D009386, MONDO:0015356.

Submission:

Ambry Genetics
Classification: Uncertain significance for Hereditary cancer-predisposing syndrome. Last evaluated: 2026-08-16. Review status: criteria provided, single submitter. Criteria: Ambry Variant Classification Scheme 2023. Collection method: clinical testing. Allele origin: germline.
Comment: The p.Y43S variant (also known as c.128A>C), located in coding exon 3 of the POT1 gene, results from an A to C substitution at nucleotide position 128. The tyrosine at codon 43 is replaced by serine, an amino acid with dissimilar properties. This amino acid position is conserved. In addition, this alteration is predicted to be deleterious by in silico analysis. Based on the available evidence, the clinical significance of this variant remains unclear.

NM_015450.3(POT1):c.128A>C (p.Tyr43Ser)

Gene: POT1 (protection of telomeres 1; minus strand). Cytogenetic location: 7q31.33.
Variant type: single nucleotide variant.
Coding change: c.128A>C on transcript NM_015450.3 (MANE Select); coding-DNA position 128, A replaced by C.
Protein change: p.Tyr43Ser; replaces tyrosine 43 with serine.
Molecular consequence: missense variant. On other transcripts: non-coding transcript variant (3), intron variant (1).
Genome position (GRCh38, 1-based): chr7:124,871,038, T>G on the plus strand (A>C on the coding strand, the complement: POT1 is on the minus strand). VCF-style: chr7-124871038-T-G. GRCh37 (hg19) VCF-style: chr7-124511092-T-G.
Other names: c.-138-7398A>C (NM_001042594.2); short protein forms Y43S.
Identifiers: ClinVar variation 5027186 (VCV005027186.1).
Genomic context (GRCh38, chr7:124,871,038, plus strand): 5'-CTAAAGAGCAGGCAAGTTAGTTTTACATTTGTCTGGTCCACAATAGTTACAACTGAGCAA[T>G]AATCTGGAAAACACAAAAATATTTTACCTGACTTTCAATATTTTAAAGCATTTGATAAAA-3'
Protein context (NP_056265.2, residues 33-53): KPPYLSKGTD[Tyr43Ser]CSVVTIVDQT